The following is an entry in ClinVar:

ClinVar aggregate classification (germline): Uncertain significance (1 of 4 stars; one submission).

Conditions:
Gastrointestinal stromal tumor. Also called: Gastrointestinal stromal tumor, somatic; Gastrointestinal stroma tumor. Identifiers: Orphanet 44890, MedGen C0238198, MeSH D046152, MONDO:0011719, OMIM 606764, HP:0100723.

Submission:

Labcorp Genetics (formerly Invitae), Labcorp
Classification: Uncertain significance for Gastrointestinal stromal tumor. Last evaluated: 2020-07-12. Review status: criteria provided, single submitter. Criteria: Invitae Variant Classification Sherloc (09022015). Collection method: clinical testing. Allele origin: germline.
Comment: This variant disrupts the p.Trp557 amino acid residue in KIT. Other variant(s) that disrupt this residue have been determined to be pathogenic (PMID: 14977822, 10680913, 10224103). This suggests that this residue is clinically significant, and that variants that disrupt this residue are likely to be disease-causing. In summary, the available evidence is currently insufficient to determine the role of this variant in disease. Therefore, it has been classified as a Variant of Uncertain Significance. Algorithms developed to predict the effect of missense changes on protein structure and function (SIFT, PolyPhen-2, Align-GVGD) all suggest that this variant is likely to be disruptive, but these predictions have not been confirmed by published functional studies and their clinical significance is uncertain. ClinVar contains an entry for this variant (Variation ID: 376731). This variant is not present in population databases (ExAC no frequency). This sequence change replaces tryptophan with serine at codon 557 of the KIT protein (p.Trp557Ser). The tryptophan residue is highly conserved and there is a large physicochemical difference between tryptophan and serine.

Literature cited by the submitters: PubMed 14977822; PubMed 10680913; PubMed 10224103.

NM_000222.3(KIT):c.1670G>C (p.Trp557Ser)

Gene: KIT (KIT proto-oncogene, receptor tyrosine kinase; plus strand). Cytogenetic location: 4q12.
Variant type: single nucleotide variant.
Coding change: c.1670G>C on transcript NM_000222.3 (MANE Select); coding-DNA position 1670, G replaced by C.
Protein change: p.Trp557Ser; replaces tryptophan 557 with serine.
Molecular consequence: missense variant.
Genome position (GRCh38, 1-based): chr4:54,727,438, G>C. VCF-style: chr4-54727438-G-C. GRCh37 (hg19) VCF-style: chr4-55593604-G-C.
Other names: c.1658G>C, p.Trp553Ser (NM_001093772.2, NM_001385286.1); c.1673G>C, p.Trp558Ser (NM_001385284.1, NM_001385290.1); c.1670G>C, p.Trp557Ser (NM_001385285.1); c.1661G>C, p.Trp554Ser (NM_001385288.1, NM_001385292.1); short protein forms W557S, W553S, W554S, W558S.
Identifiers: ClinVar variation 376731 (VCV000376731.11), dbSNP rs1057520032, ClinGen allele CA16603139.